The following is an entry in ClinVar:

NM_001352913.2(PPP2R5C):c.349G>A (p.Asp117Asn)

Gene: PPP2R5C (protein phosphatase 2 regulatory subunit B'gamma; plus strand). Cytogenetic location: 14q32.31.
Variant type: single nucleotide variant.
Coding change: c.349G>A on transcript NM_001352913.2 (MANE Select); coding-DNA position 349, G replaced by A.
Protein change: p.Asp117Asn; replaces aspartic acid 117 with asparagine.
Molecular consequence: missense variant. On other transcripts: 5 prime UTR variant (2).
Genome position (GRCh38, 1-based): chr14:101,856,775, G>A. VCF-style: chr14-101856775-G-A. GRCh37 (hg19) VCF-style: chr14-102323112-G-A.
Other names: c.277G>A, p.Asp93Asn (NM_001161725.2); c.349G>A, p.Asp117Asn (NM_001161726.2); c.184G>A, p.Asp62Asn (NM_001352912.1, NM_002719.4, NM_178586.3 and 1 more transcripts); c.364G>A, p.Asp122Asn (NM_001352914.2); c.-42G>A (NM_001352915.2, NM_001352916.2); short protein forms D117N, D122N, D62N, D93N.
Identifiers: ClinVar variation 5018035 (VCV005018035.1).

ClinVar aggregate classification (germline): Uncertain significance (1 of 4 stars; one submission).

Submission:

GeneDx
Classification: Uncertain significance. Last evaluated: 2026-04-02. Review status: criteria provided, single submitter. Criteria: GeneDx Variant Classification Process June 2021. Collection method: clinical testing. Allele origin: germline.
Comment: Not observed at significant frequency in large population cohorts (gnomAD); In silico analysis supports that this missense variant has a deleterious effect on protein structure/function; Has not been previously published as pathogenic or benign to our knowledge